The following is an entry in ClinVar:

ClinVar aggregate classification (germline): Likely benign. Review status: criteria provided, multiple submitters, no conflicts (2 of 4 stars). 2 submissions from 2 submitters: Likely benign (2). Last evaluated 2026-08-19.

Conditions:
TRPV6-related disorder. Also called: TRPV6-related condition.

Allele frequency attached by ClinVar (database versions not stated): ExAC 0.00068; gnomAD 0.00125; 1000 Genomes Project 0.00140; 1000 Genomes Project 30x 0.00141; TOPMed 0.00144; ESP Exome Variant Server 0.00192.
gnomAD v4.1: 381 of 1,612,322 alleles (0.024%); highest among the groups gnomAD compares: African/African-American, 0.47%; 3 homozygotes.

Submissions (2):

PreventionGenetics, part of Exact Sciences
Classification: Likely benign for TRPV6-related condition. Last evaluated: 2026-08-19. Review status: criteria provided, single submitter. Criteria: ACMG Guidelines, 2015. Collection method: clinical testing. Allele origin: germline.
Comment: This variant is classified as likely benign based on ACMG/AMP sequence variant interpretation guidelines (Richards et al. 2015 PMID: 25741868, with internal and published modifications).

Labcorp Genetics (formerly Invitae), Labcorp
Classification: Likely benign. Last evaluated: 2026-01-02. Review status: criteria provided, single submitter. Criteria: Invitae Variant Classification Sherloc (09022015). Collection method: clinical testing. Allele origin: germline.

NM_018646.6(TRPV6):c.1909A>G (p.Ile637Val)

Gene: TRPV6 (transient receptor potential cation channel subfamily V member 6; minus strand). Cytogenetic location: 7q34.
Variant type: single nucleotide variant.
Coding change: c.1909A>G on transcript NM_018646.6 (MANE Select); coding-DNA position 1909, A replaced by G.
Protein change: p.Ile637Val; replaces isoleucine 637 with valine.
Molecular consequence: missense variant.
Genome position (GRCh38, 1-based): chr7:142,872,478, T>C on the plus strand (A>G on the coding strand, the complement: TRPV6 is on the minus strand). VCF-style: chr7-142872478-T-C. GRCh37 (hg19) VCF-style: chr7-142570231-T-C.
Other names: c.1909A>G (NM_018646.5); short protein forms I637V.
Identifiers: ClinVar variation 2726643 (VCV002726643.4), dbSNP rs151152661, ClinGen allele CA4532373.